The following is an entry in ClinVar:

ClinVar aggregate classification (germline): Uncertain significance (1 of 4 stars; one submission).

Submission:

CeGaT Center for Human Genetics Tuebingen
Classification: Uncertain significance. Last evaluated: 2025-02-01. Review status: criteria provided, single submitter. Criteria: CeGaT Center For Human Genetics Tuebingen Variant Classification Criteria Version 2. Collection method: clinical testing. Allele origin: germline. Affected: yes. Observed: 1 variant allele.
Comment: YARS2: PM2, PP3

NM_001040436.3(YARS2):c.1424T>C (p.Leu475Pro)

Gene: YARS2 (tyrosyl-tRNA synthetase 2; minus strand). Cytogenetic location: 12p11.21.
Variant type: single nucleotide variant.
Coding change: c.1424T>C on transcript NM_001040436.3 (MANE Select); coding-DNA position 1424, T replaced by C.
Protein change: p.Leu475Pro; replaces leucine 475 with proline.
Molecular consequence: missense variant.
Genome position (GRCh38, 1-based): chr12:32,747,214, A>G on the plus strand (T>C on the coding strand, the complement: YARS2 is on the minus strand). VCF-style: chr12-32747214-A-G. GRCh37 (hg19) VCF-style: chr12-32900148-A-G.
Other names: short protein forms L475P.
Identifiers: ClinVar variation 3770927 (VCV003770927.13).